The following is an entry in ClinVar:

ClinVar aggregate classification (germline): Uncertain significance. Review status: criteria provided, multiple submitters, no conflicts (2 of 4 stars). 2 submissions from 2 submitters: Uncertain significance (2). Last evaluated 2025-08-24.

Conditions:
Combined oxidative phosphorylation deficiency 35 (COXPD35). Identifiers: MedGen C4693466, MONDO:0054742, OMIM 617873.
Inborn genetic diseases. Identifiers: MedGen C0950123, MeSH D030342.

Allele frequency attached by ClinVar (database versions not stated): gnomAD 0.00003 and 0.00004; gnomAD exomes 0.00005 and 0.00006; TOPMed 0.00006; ExAC 0.00009.

Submissions (2):

Ambry Genetics
Classification: Uncertain significance for Inborn genetic diseases. Last evaluated: 2025-08-24. Review status: criteria provided, single submitter. Criteria: Ambry Variant Classification Scheme 2023. Collection method: clinical testing. Allele origin: germline.

Baylor Genetics
Classification: Uncertain significance for Combined oxidative phosphorylation deficiency 35. Last evaluated: 2018-11-28. Review status: criteria provided, single submitter. Criteria: ACMG Guidelines, 2015. Collection method: clinical testing. Allele origin: maternal. Affected: yes.
Comment: This variant was determined to be of uncertain significance according to ACMG Guidelines, 2015 [PMID:25741868].

NM_017646.6(TRIT1):c.1214T>C (p.Ile405Thr)

Gene: TRIT1 (tRNA isopentenyltransferase 1; minus strand). Cytogenetic location: 1p34.2.
Variant type: single nucleotide variant.
Coding change: c.1214T>C on transcript NM_017646.6 (MANE Select); coding-DNA position 1214, T replaced by C.
Protein change: p.Ile405Thr; replaces isoleucine 405 with threonine.
Molecular consequence: missense variant.
Genome position (GRCh38, 1-based): chr1:39,844,121, A>G on the plus strand (T>C on the coding strand, the complement: TRIT1 is on the minus strand). VCF-style: chr1-39844121-A-G. GRCh37 (hg19) VCF-style: chr1-40309793-A-G.
Other names: c.1136T>C, p.Ile379Thr (NM_001312691.2); c.968T>C, p.Ile323Thr (NM_001312692.2); short protein forms I323T, I379T, I405T.
Identifiers: ClinVar variation 1033850 (VCV001033850.2), dbSNP rs776537579, ClinGen allele CA787879.